The following is an entry in ClinVar:

ClinVar aggregate classification (germline): Likely pathogenic (3 of 4 stars; one submission).

Conditions:
Phenylketonuria (PKU). Also called: OLIGOPHRENIA PHENYLPYRUVICA; Phenylketonurias; Phenylketonuria (PKU); FOLLING DISEASE. Identifiers: Orphanet 716, MedGen C0031485, MONDO:0009861, OMIM 261600. Disease mechanism: loss of function.

Submission:

ClinGen PAH Variant Curation Expert Panel
Classification: Likely pathogenic for Phenylketonuria. Last evaluated: 2020-06-01. Review status: reviewed by expert panel. Criteria: ClinGen PAH ACMG Specifications v1. Collection method: curation. Allele origin: germline. Inheritance: Autosomal recessive inheritance.
Comment: This same patient carried this variant in trans with the previously reported c.1315+1G>A variant which has been reported as Pathogenic in ClinVar (PMID: 26542770; PM3). This variant is absent from population databases (PM2) and is predicted deleterious by SIFT, PolyPhen2, MutationTaster, and REVEL = 0.969 (PP3). In summary, this variant meets criteria to be classified as likely pathogenic for PAH. PAH-specific ACMG/AMP criteria applied: PM2, PM3, PP3, PP4.

Literature cited by the submitters: PubMed 26542770.

NM_000277.3(PAH):c.1228T>A (p.Phe410Ile)

Gene: PAH (phenylalanine hydroxylase; minus strand). Cytogenetic location: 12q23.2.
Variant type: single nucleotide variant.
Coding change: c.1228T>A on transcript NM_000277.3 (MANE Select); coding-DNA position 1228, T replaced by A.
Protein change: p.Phe410Ile; replaces phenylalanine 410 with isoleucine.
Molecular consequence: missense variant.
Genome position (GRCh38, 1-based): chr12:102,840,487, A>T on the plus strand (T>A on the coding strand, the complement: PAH is on the minus strand). VCF-style: chr12-102840487-A-T. GRCh37 (hg19) VCF-style: chr12-103234265-A-T.
Other names: c.1228T>A, p.Phe410Ile (NM_001354304.2); short protein forms F410I.
Identifiers: ClinVar variation 932279 (VCV000932279.1), dbSNP rs1874543567, ClinGen allele CA16020973.